The following is an entry in ClinVar:

NM_000264.5(PTCH1):c.3826C>G (p.His1276Asp)

Gene: PTCH1 (patched 1; minus strand). Cytogenetic location: 9q22.32.
Variant type: single nucleotide variant.
Coding change: c.3826C>G on transcript NM_000264.5 (MANE Select); coding-DNA position 3826, C replaced by G.
Protein change: p.His1276Asp; replaces histidine 1276 with aspartic acid.
Molecular consequence: missense variant. On other transcripts: non-coding transcript variant (1).
Genome position (GRCh38, 1-based): chr9:95,447,430, G>C on the plus strand (C>G on the coding strand, the complement: PTCH1 is on the minus strand). VCF-style: chr9-95447430-G-C. GRCh37 (hg19) VCF-style: chr9-98209712-G-C.
Other names: c.3628C>G, p.His1210Asp (NM_001083602.3); c.3823C>G, p.His1275Asp (NM_001083603.3); c.3373C>G, p.His1125Asp (NM_001083604.3, NM_001083605.3, NM_001083606.3 and 1 more transcripts); c.3670C>G, p.His1224Asp (NM_001354918.2); short protein forms H1210D, H1276D, H1275D, H1125D, H1224D.
Identifiers: ClinVar variation 188278 (VCV000188278.9), dbSNP rs786204190, ClinGen allele CA334499.

ClinVar aggregate classification (germline): Uncertain significance (1 of 4 stars; one submission).

Conditions:
Gorlin syndrome. Also called: Basal cell nevus syndrome; Nevoid Basal Cell Carcinoma Syndrome. Identifiers: Orphanet 377, MedGen C0004779, MONDO:0007187.

Submission:

Labcorp Genetics (formerly Invitae), Labcorp
Classification: Uncertain significance for Gorlin syndrome. Last evaluated: 2022-01-12. Review status: criteria provided, single submitter. Criteria: Invitae Variant Classification Sherloc (09022015). Collection method: clinical testing. Allele origin: germline.
Comment: This variant has not been reported in the literature in individuals affected with PTCH1-related conditions. In summary, the available evidence is currently insufficient to determine the role of this variant in disease. Therefore, it has been classified as a Variant of Uncertain Significance. Advanced modeling of protein sequence and biophysical properties (such as structural, functional, and spatial information, amino acid conservation, physicochemical variation, residue mobility, and thermodynamic stability) performed at Invitae indicates that this missense variant is not expected to disrupt PTCH1 protein function. ClinVar contains an entry for this variant (Variation ID: 188278). This variant is not present in population databases (gnomAD no frequency). This sequence change replaces histidine, which is basic and polar, with aspartic acid, which is acidic and polar, at codon 1276 of the PTCH1 protein (p.His1276Asp).